The following is an entry in ClinVar:

ClinVar aggregate classification (germline): Likely benign (1 of 4 stars; one submission).

Allele frequency attached by ClinVar (database versions not stated): ExAC 0.00001; gnomAD 0.00001; gnomAD exomes 0.00001; TOPMed 0.00001.
gnomAD v4.1: 9 of 1,611,994 alleles (0.00056%); highest among the groups gnomAD compares: Non-Finnish European, 0.00068%; no homozygotes.

Submission:

CeGaT Center for Human Genetics Tuebingen
Classification: Likely benign. Last evaluated: 2022-09-01. Review status: criteria provided, single submitter. Criteria: CeGaT Center For Human Genetics Tuebingen Variant Classification Criteria Version 2. Collection method: clinical testing. Allele origin: germline. Affected: yes. Observed: 1 variant allele.
Comment: SMPD4: BP4

NM_017951.5(SMPD4):c.1575C>T (p.Ser525=)

Gene: SMPD4 (sphingomyelin phosphodiesterase 4; minus strand). Cytogenetic location: 2q21.1.
Variant type: single nucleotide variant.
Coding change: c.1575C>T on transcript NM_017951.5 (MANE Select); coding-DNA position 1575, C replaced by T.
Protein change: p.Ser525=; no amino-acid change (serine 525 retained).
Molecular consequence: synonymous variant. On other transcripts: non-coding transcript variant (2).
Genome position (GRCh38, 1-based): chr2:130,154,361, G>A on the plus strand (C>T on the coding strand, the complement: SMPD4 is on the minus strand). VCF-style: chr2-130154361-G-A. GRCh37 (hg19) VCF-style: chr2-130911934-G-A.
Other names: c.1386C>T, p.Ser462= (NM_001171083.2); c.1605C>T, p.Ser535= (NM_017751.4).
Identifiers: ClinVar variation 2651358 (VCV002651358.24), dbSNP rs768466460, ClinGen allele CA1869715.
Genomic context (GRCh38, chr2:130,154,361, plus strand): 5'-CATCGGGGTGTACTTGCAGTCCTGGCCCTCCAGGCTGTAGACGTGGCTCTTCACCTTGAA[G>A]GAGGCATCAGTGACCGCTGGTGGCCAGGGTGACAGGAAGCTCCCAGTGAATGTGGGGGCC-3'
Protein context (NP_060421.3, residues 515-535): SPWPPAVTDA[Ser525=]FKVKSHVYSL